The following is an entry in ClinVar:

ClinVar aggregate classification (germline): Uncertain significance (1 of 4 stars; one submission).

Conditions:
Aortic aneurysm, familial thoracic 7 (AAT7). Also called: AORTIC DISSECTION, FAMILIAL, WITH OR WITHOUT AORTIC ANEURYSM. Identifiers: MedGen C3151077, MONDO:0013418, OMIM 613780.

Submission:

Labcorp Genetics (formerly Invitae), Labcorp
Classification: Uncertain significance for Aortic aneurysm, familial thoracic 7. Last evaluated: 2025-05-22. Review status: criteria provided, single submitter. Criteria: Invitae Variant Classification Sherloc (09022015). Collection method: clinical testing. Allele origin: germline.
Comment: This variant, c.3111_3146del, results in the deletion of 12 amino acid(s) of the MYLK protein (p.Ala1044_Pro1055del), but otherwise preserves the integrity of the reading frame. This variant is present in population databases (rs746417389, gnomAD 0.007%). This variant has not been reported in the literature in individuals affected with MYLK-related conditions. Experimental studies and prediction algorithms are not available or were not evaluated, and the functional significance of this variant is currently unknown. In summary, the available evidence is currently insufficient to determine the role of this variant in disease. Therefore, it has been classified as a Variant of Uncertain Significance.

NM_053025.4(MYLK):c.3111_3146del (p.1032AETLKPMGNAKP[1])

Gene: MYLK (myosin light chain kinase; minus strand). Cytogenetic location: 3q21.1.
Variant type: Deletion.
Coding change: c.3111_3146del on transcript NM_053025.4 (MANE Select); coding-DNA positions 3111 to 3146, 36 bases deleted.
Protein change: p.1032AETLKPMGNAKP[1].
Genome position (GRCh38, 1-based): chr3:123,700,322-123,700,357, 36 bases deleted; deleting any 36 consecutive bases within chr3:123,700,322-123,700,371 gives the same sequence; the c. name uses the placement nearest the transcript's 3' end. GRCh37 (hg19): chr3:123,419,183-123,419,218.
Other names: c.2583_2618del, p.856AETLKPMGNAKP[1] (NM_001321309.2); c.2904_2939del, p.963AETLKPMGNAKP[1] (NM_053026.4, NM_053028.4); c.3111_3146del, p.1032AETLKPMGNAKP[1] (NM_053027.4).
Identifiers: ClinVar variation 4804704 (VCV004804704.1).